The following is an entry in ClinVar:

NM_000465.4(BARD1):c.2026T>A (p.Tyr676Asn)

Gene: BARD1 (BRCA1 associated RING domain 1; minus strand). Cytogenetic location: 2q35.
Variant type: single nucleotide variant.
Coding change: c.2026T>A on transcript NM_000465.4 (MANE Select); coding-DNA position 2026, T replaced by A.
Protein change: p.Tyr676Asn; replaces tyrosine 676 with asparagine.
Molecular consequence: missense variant. On other transcripts: non-coding transcript variant (3).
Genome position (GRCh38, 1-based): chr2:214,728,984, A>T on the plus strand (T>A on the coding strand, the complement: BARD1 is on the minus strand). VCF-style: chr2-214728984-A-T. GRCh37 (hg19) VCF-style: chr2-215593708-A-T.
Other names: c.1969T>A, p.Tyr657Asn (NM_001282543.2); c.673T>A, p.Tyr225Asn (NM_001282545.2); c.616T>A, p.Tyr206Asn (NM_001282548.2); c.487T>A, p.Tyr163Asn (NM_001282549.2); c.2026T>A (NM_000465.2); short protein forms Y676N, Y225N, Y657N, Y163N, Y206N.
Identifiers: ClinVar variation 460734 (VCV000460734.18), dbSNP rs1553612227, ClinGen allele CA350450779.
Genomic context (GRCh38, chr2:214,728,984, plus strand): 5'-TGACGAGCTTAATAAGGTTGTCCTTTGGATGGTGTTTGAAGGTTCCCCACAAATAGAAGT[A>T]GCATCCATCAAACAGCTTTGGCAACTGAAATAATGAGAAAACATTTGTTAAAGGCAGATC-3'
Protein context (NP_000456.2, residues 666-686): QLLPKLFDGC[Tyr676Asn]FYLWGTFKHH

ClinVar aggregate classification (germline): Uncertain significance. Review status: criteria provided, multiple submitters, no conflicts (2 of 4 stars). 4 submissions from 4 submitters: Uncertain significance (4). Last evaluated 2024-11-05.

Conditions:
Familial cancer of breast. Also called: BREAST CANCER, FAMILIAL; hereditary breast carcinoma; Hereditary breast cancer. Identifiers: Orphanet 227535, MedGen C0346153, MONDO:0016419, OMIM 114480. Disease mechanism: loss of function.
Hereditary cancer-predisposing syndrome. Also called: Neoplastic Syndromes, Hereditary; Tumor predisposition; Hereditary Cancer Syndrome; Hereditary neoplastic syndrome. Identifiers: Orphanet 140162, MedGen C0027672, MeSH D009386, MONDO:0015356.

Allele frequency attached by ClinVar (database versions not stated): gnomAD exomes below 0.00001.
gnomAD v4.1: 2 of 1,614,180 alleles (0.00012%); highest among the groups gnomAD compares: South Asian, 0.0022%; no homozygotes.

Submissions (4):

Labcorp Genetics (formerly Invitae), Labcorp
Classification: Uncertain significance for Familial cancer of breast. Last evaluated: 2024-11-05. Review status: criteria provided, single submitter. Criteria: Invitae Variant Classification Sherloc (09022015). Collection method: clinical testing. Allele origin: germline.
Comment: This sequence change replaces tyrosine, which is neutral and polar, with asparagine, which is neutral and polar, at codon 676 of the BARD1 protein (p.Tyr676Asn). This variant is not present in population databases (gnomAD no frequency). This variant has not been reported in the literature in individuals affected with BARD1-related conditions. ClinVar contains an entry for this variant (Variation ID: 460734). An algorithm developed to predict the effect of missense changes on protein structure and function (PolyPhen-2) suggests that this variant is likely to be disruptive. In summary, the available evidence is currently insufficient to determine the role of this variant in disease. Therefore, it has been classified as a Variant of Uncertain Significance.

GeneDx
Classification: Uncertain significance. Last evaluated: 2024-05-22. Review status: criteria provided, single submitter. Criteria: GeneDx Variant Classification Process June 2021. Collection method: clinical testing. Allele origin: germline. Affected: yes.
Comment: Not observed at significant frequency in large population cohorts (gnomAD); In silico analysis supports that this missense variant has a deleterious effect on protein structure/function; Has not been previously published as pathogenic or benign to our knowledge; This variant is associated with the following publications: (PMID: 17550235)

Color Diagnostics, LLC DBA Color Health
Classification: Uncertain significance for Hereditary cancer-predisposing syndrome. Last evaluated: 2024-03-06. Review status: criteria provided, single submitter. Criteria: ACMG Guidelines, 2015. Collection method: clinical testing. Allele origin: germline.
Comment: This missense variant replaces tyrosine with asparagine at codon 676 of the BARD1 protein. Computational prediction suggests that this variant may not impact protein structure and function (internally defined REVEL score threshold <= 0.5, PMID: 27666373). To our knowledge, functional studies have not been reported for this variant. This variant has not been reported in individuals affected with hereditary cancer in the literature. This variant has not been identified in the general population by the Genome Aggregation Database (gnomAD). The available evidence is insufficient to determine the role of this variant in disease conclusively. Therefore, this variant is classified as a Variant of Uncertain Significance.

Ambry Genetics
Classification: Uncertain significance for Hereditary cancer-predisposing syndrome. Last evaluated: 2023-05-23. Review status: criteria provided, single submitter. Criteria: Ambry Variant Classification Scheme 2023. Collection method: clinical testing. Allele origin: germline.
Comment: The p.Y676N variant (also known as c.2026T>A), located in coding exon 11 of the BARD1 gene, results from a T to A substitution at nucleotide position 2026. The tyrosine at codon 676 is replaced by asparagine, an amino acid with dissimilar properties. This amino acid position is conserved. In addition, this alteration is predicted to be tolerated by in silico analysis. Since supporting evidence is limited at this time, the clinical significance of this alteration remains unclear.